The following is an entry in ClinVar:

NM_018010.4(IFT57):c.779A>C (p.Asp260Ala)

Gene: IFT57 (intraflagellar transport 57; minus strand). Cytogenetic location: 3q13.12.
Variant type: single nucleotide variant.
Coding change: c.779A>C on transcript NM_018010.4 (MANE Select); coding-DNA position 779, A replaced by C.
Protein change: p.Asp260Ala; replaces aspartic acid 260 with alanine.
Molecular consequence: missense variant.
Genome position (GRCh38, 1-based): chr3:108,167,863, T>G on the plus strand (A>C on the coding strand, the complement: IFT57 is on the minus strand). VCF-style: chr3-108167863-T-G. GRCh37 (hg19) VCF-style: chr3-107886710-T-G.
Other names: short protein forms D260A.
Identifiers: ClinVar variation 2117131 (VCV002117131.4), dbSNP rs749126694, ClinGen allele CA353905041.

ClinVar aggregate classification (germline): Uncertain significance (1 of 4 stars; one submission).

gnomAD v4.1: 2 of 1,589,342 alleles (0.00013%); highest among the groups gnomAD compares: Non-Finnish European, 0.00017%; no homozygotes.

Submission:

Labcorp Genetics (formerly Invitae), Labcorp
Classification: Uncertain significance. Last evaluated: 2022-03-30. Review status: criteria provided, single submitter. Criteria: Invitae Variant Classification Sherloc (09022015). Collection method: clinical testing. Allele origin: germline.
Comment: In summary, the available evidence is currently insufficient to determine the role of this variant in disease. Therefore, it has been classified as a Variant of Uncertain Significance. Algorithms developed to predict the effect of missense changes on protein structure and function are either unavailable or do not agree on the potential impact of this missense change (SIFT: "Deleterious"; PolyPhen-2: "Probably Damaging"; Align-GVGD: "Class C15"). This variant has not been reported in the literature in individuals affected with IFT57-related conditions. This variant is present in population databases (no rsID available, gnomAD 0.0009%). This sequence change replaces aspartic acid, which is acidic and polar, with alanine, which is neutral and non-polar, at codon 260 of the IFT57 protein (p.Asp260Ala).